The following is an entry in ClinVar:

NM_006393.3(NEBL):c.1037del (p.Asn346fs)

Gene: NEBL (nebulette; minus strand). Cytogenetic location: 10p12.31.
Variant type: Deletion.
Coding change: c.1037del on transcript NM_006393.3 (MANE Select); coding-DNA position 1037, one base deleted (A; older notation c.1037delA).
Protein change: p.Asn346fs; shifts the reading frame from asparagine 346.
Molecular consequence: frameshift variant. On other transcripts: intron variant (9).
Genome position (GRCh38, 1-based): chr10:20,850,474, T deleted on the plus strand (A on the coding strand, the reverse complement: NEBL is on the minus strand); the first of 5 consecutive T bases (chr10:20,850,474-20,850,478); deleting any one gives the same sequence. VCF-style (leftmost placement, unchanged base first): chr10-20850473-AT-A. GRCh37 (hg19) VCF-style: chr10-21139402-AT-A.
Other names: c.250-37534del (NM_001377326.1, NM_001377327.1, NM_001377328.1); c.358-37534del (NM_213569.2, NM_001173484.2, NM_001377322.1); c.301-37534del (NM_001377324.1); c.292-37534del (NM_001377325.1); c.310-37534del (NM_001377323.1); c.1037delA (NM_006393.2); short protein forms N346fs.
Identifiers: ClinVar variation 665593 (VCV000665593.7), dbSNP rs767349615, ClinGen allele CA5432985.
Genomic context (GRCh38, chr10:20,850,473, plus strand): 5'-AGCCTCCTTTGAAGCTTGATATGATGGTGTCTCAACAAATTCAAGCATTGGCTTTCCCTT[AT>A]TTTTCTCATATTCTTCTTTATATTTCACCTTCATTGGAAAAAGAAAAGCATATACAAATC-3'

ClinVar aggregate classification (germline): Uncertain significance. Review status: criteria provided, multiple submitters, no conflicts (2 of 4 stars). 2 submissions from 2 submitters: Uncertain significance (2). Last evaluated 2023-02-20.

Conditions:
Primary dilated cardiomyopathy (DCM). Also called: Dilated Cardiomyopathy. Identifiers: Orphanet 217604, MedGen C0007193, MeSH D002311, MONDO:0005021, HP:0001644. Inheritance: Various modes of inheritance.

Submissions (2):

Women's Health and Genetics/Laboratory Corporation of America, LabCorp
Classification: Uncertain significance. Last evaluated: 2023-02-20. Review status: criteria provided, single submitter. Criteria: LabCorp Variant Classification Summary - May 2015. Collection method: clinical testing. Allele origin: germline.
Comment: Variant summary: NEBL c.1037delA (p.Asn346IlefsX46) results in a premature termination codon, predicted to cause a truncation of the encoded protein or absence of the protein due to nonsense mediated decay. It is unclear if loss-of-function variants in this gene cause disease. The variant allele was found at a frequency of 8e-06 in 251002 control chromosomes. The available data on variant occurrences in the general population are insufficient to allow any conclusion about variant significance. To our knowledge, no occurrence of c.1037delA in individuals affected with Dilated Cardiomyopathy and no experimental evidence demonstrating its impact on protein function have been reported. One clinical diagnostic laboratory has submitted clinical-significance assessments for this variant to ClinVar after 2014 without evidence for independent evaluation. One laboratory classified the variant as uncertain significance. Based on the evidence outlined above, the variant was classified as uncertain significance.

Labcorp Genetics (formerly Invitae), Labcorp
Classification: Uncertain significance for Primary dilated cardiomyopathy. Last evaluated: 2018-10-08. Review status: criteria provided, single submitter. Criteria: Invitae Variant Classification Sherloc (09022015). Collection method: clinical testing. Allele origin: germline.
Comment: The frequency data for this variant in the population databases is considered unreliable, as metrics indicate poor data quality at this position in the ExAC database. In summary, the available evidence is currently insufficient to determine the role of this variant in disease. Therefore, it has been classified as a Variant of Uncertain Significance. The current clinical and genetic evidence is not sufficient to establish whether loss-of-function variants in NEBL cause disease. This variant has not been reported in the literature in individuals with NEBL-related disease. This sequence change creates a premature translational stop signal (p.Asn346Ilefs*46) in the NEBL gene. It is expected to result in an absent or disrupted protein product.